The following is an entry in ClinVar:

NM_024642.5(GALNT12):c.655G>A (p.Ala219Thr)

Gene: GALNT12 (polypeptide N-acetylgalactosaminyltransferase 12; plus strand). Cytogenetic location: 9q22.33.
Variant type: single nucleotide variant.
Coding change: c.655G>A on transcript NM_024642.5 (MANE Select); coding-DNA position 655, G replaced by A.
Protein change: p.Ala219Thr; replaces alanine 219 with threonine.
Molecular consequence: missense variant.
Genome position (GRCh38, 1-based): chr9:98,826,865, G>A. VCF-style: chr9-98826865-G-A. GRCh37 (hg19) VCF-style: chr9-101589147-G-A.
Other names: short protein forms A219T.
Identifiers: ClinVar variation 2451778 (VCV002451778.3), dbSNP rs2118377676, ClinGen allele CA374217597.

ClinVar aggregate classification (germline): Uncertain significance (1 of 4 stars; one submission).

Submission:

Ambry Genetics
Classification: Uncertain significance. Last evaluated: 2025-03-14. Review status: criteria provided, single submitter. Criteria: Ambry Variant Classification Scheme 2023. Collection method: clinical testing. Allele origin: germline.
Comment: The p.A219T variant (also known as c.655G>A), located in coding exon 3 of the GALNT12 gene, results from a G to A substitution at nucleotide position 655. The alanine at codon 219 is replaced by threonine, an amino acid with similar properties. This amino acid position is conserved. In addition, the in silico prediction for this alteration is inconclusive. Since supporting evidence is limited at this time, the clinical significance of this alteration remains unclear.